The following is an entry in ClinVar:

NM_001845.6(COL4A1):c.710G>T (p.Ser237Ile)

Gene: COL4A1 (collagen type IV alpha 1 chain; minus strand). Cytogenetic location: 13q34.
Variant type: single nucleotide variant.
Coding change: c.710G>T on transcript NM_001845.6 (MANE Select); coding-DNA position 710, G replaced by T.
Protein change: p.Ser237Ile; replaces serine 237 with isoleucine.
Molecular consequence: missense variant.
Genome position (GRCh38, 1-based): chr13:110,207,473, C>A on the plus strand (G>T on the coding strand, the complement: COL4A1 is on the minus strand). VCF-style: chr13-110207473-C-A. GRCh37 (hg19) VCF-style: chr13-110859820-C-A.
Other names: c.710G>T, p.Ser237Ile (NM_001303110.2); short protein forms S237I.
Identifiers: ClinVar variation 3575749 (VCV003575749.2).
Genomic context (GRCh38, chr13:110,207,473, plus strand): 5'-TTGGTGGCGAAGTCTCCTTTTTCTTGAACTTGAGCTTGTCCTGGTACTCCTGGAGGCCCA[C>A]TGACCCCTTGGTCACCCTGTCGACATAAAAATGTAAAATTAATTAGGCATGAAAACAATT-3'
Protein context (NP_001836.3, residues 227-247): PKGDKGDQGV[Ser237Ile]GPPGVPGQAQ

ClinVar aggregate classification (germline): Uncertain significance. Review status: criteria provided, multiple submitters, no conflicts (2 of 4 stars). 2 submissions from 2 submitters: Uncertain significance (2). Last evaluated 2025-05-19.

Conditions:
Brain small vessel disease 1 with or without ocular anomalies (BSVD1). Also called: BRAIN SMALL VESSEL DISEASE WITH HEMORRHAGE; Brain small vessel disease with or without ocular anomalies; GOULD SYNDROME 1; PORENCEPHALY, TYPE 1, AUTOSOMAL DOMINANT. Identifiers: Orphanet 2940, Orphanet 36383, Orphanet 99810, MedGen C4755307, MONDO:0008289, OMIM 175780.
Hemorrhage, intracerebral, susceptibility to (ICH). Also called: Stroke, hemorrhagic, susceptibility to. Identifiers: MedGen C3281105, MONDO:0100533, OMIM 614519.
Retinal arterial tortuosity. Also called: RETINAL HEMORRHAGE WITH VASCULAR TORTUOSITY; Retinal arteries, tortuosity of. Identifiers: Orphanet 75326, MedGen C0423401, MONDO:0008373, OMIM 180000, HP:0000631.
Autosomal dominant familial hematuria-retinal arteriolar tortuosity-contractures syndrome. Also called: Angiopathy, hereditary, with nephropathy, aneurysms, and muscle cramps; Hereditary Angiopathy with Nephropathy, Aneurysms, and Muscle Cramps (HANAC) Syndrome. Identifiers: Orphanet 73229, MedGen C2673195, MONDO:0012726, OMIM 611773.
Microangiopathy and leukoencephalopathy, pontine, autosomal dominant. Also called: DEMENTIA, HEREDITARY MULTI-INFARCT, SWEDISH TYPE; Pontine autosomal dominant microangiopathy with leukoencephalopathy. Identifiers: Orphanet 477749, MedGen C5231411, MONDO:0032814, OMIM 618564.

gnomAD v4.1: 2 of 1,614,116 alleles (0.00012%); highest among the groups gnomAD compares: Non-Finnish European, 0.00017%; no homozygotes.

Submissions (2):

Labcorp Genetics (formerly Invitae), Labcorp
Classification: Uncertain significance. Last evaluated: 2025-05-19. Review status: criteria provided, single submitter. Criteria: Invitae Variant Classification Sherloc (09022015). Collection method: clinical testing. Allele origin: germline.
Comment: This sequence change replaces serine, which is neutral and polar, with isoleucine, which is neutral and non-polar, at codon 237 of the COL4A1 protein (p.Ser237Ile). This variant is not present in population databases (gnomAD no frequency). This variant has not been reported in the literature in individuals affected with COL4A1-related conditions. ClinVar contains an entry for this variant (Variation ID: 3575749). Invitae Evidence Modeling of protein sequence and biophysical properties (such as structural, functional, and spatial information, amino acid conservation, physicochemical variation, residue mobility, and thermodynamic stability) indicates that this missense variant is not expected to disrupt COL4A1 protein function with a negative predictive value of 95%. In summary, the available evidence is currently insufficient to determine the role of this variant in disease. Therefore, it has been classified as a Variant of Uncertain Significance.

Fulgent Genetics
Classification: Uncertain significance for Brain small vessel disease 1 with or without ocular anomalies; Retinal arterial tortuosity; Autosomal dominant familial hematuria-retinal arteriolar tortuosity-contractures syndrome; Hemorrhage, intracerebral, susceptibility to; Microangiopathy and leukoencephalopathy, pontine, autosomal dominant. Last evaluated: 2024-01-29. Review status: criteria provided, single submitter. Criteria: ACMG Guidelines, 2015. Collection method: clinical testing. Allele origin: germline.